The following is an entry in ClinVar:

NM_001042492.3(NF1):c.7081del (p.Met2361fs)

Gene: NF1 (neurofibromin 1; plus strand). Cytogenetic location: 17q11.2.
Variant type: Deletion.
Coding change: c.7081del on transcript NM_001042492.3 (MANE Select); coding-DNA position 7081, one base deleted (A; older notation c.7081delA).
Protein change: p.Met2361fs; shifts the reading frame from methionine 2361.
Molecular consequence: frameshift variant.
Genome position (GRCh38, 1-based): chr17:31,343,027, A deleted. VCF-style (leftmost placement, unchanged base first): chr17-31343026-TA-T. GRCh37 (hg19) VCF-style: chr17-29670044-TA-T.
Other names: c.7018delA (NM_000267.3); c.7018delA, p.Met2340Trpfs (NM_000267.4); short protein forms M2340fs, M2361fs.
Identifiers: ClinVar variation 1756698 (VCV001756698.4), dbSNP rs2508779500, ClinGen allele CA2580093250.

ClinVar aggregate classification (germline): Pathogenic. Review status: criteria provided, multiple submitters, no conflicts (2 of 4 stars). 2 submissions from 2 submitters: Pathogenic (2). Last evaluated 2024-08-13.

Conditions:
Cardiovascular phenotype. Identifiers: MedGen CN230736.
Hereditary cancer-predisposing syndrome. Also called: Neoplastic Syndromes, Hereditary; Tumor predisposition; Hereditary neoplastic syndrome; Hereditary Cancer Syndrome. Identifiers: Orphanet 140162, MedGen C0027672, MeSH D009386, MONDO:0015356.
Neurofibromatosis, type 1 (NF1). Also called: Peripheral type neurofibromatosis; VON RECKLINGHAUSEN DISEASE; NEUROFIBROMATOSIS, TYPE I, SOMATIC; Neurofibromatosis, type I. Identifiers: Orphanet 636, MedGen C0027831, MONDO:0018975, OMIM 162200. Disease mechanism: loss of function.

Submissions (2):

Labcorp Genetics (formerly Invitae), Labcorp
Classification: Pathogenic for Neurofibromatosis, type 1. Last evaluated: 2024-08-13. Review status: criteria provided, single submitter. Criteria: Invitae Variant Classification Sherloc (09022015). Collection method: clinical testing. Allele origin: germline.
Comment: This sequence change creates a premature translational stop signal (p.Met2340Trpfs*35) in the NF1 gene. It is expected to result in an absent or disrupted protein product. Loss-of-function variants in NF1 are known to be pathogenic (PMID: 10712197, 23913538). This variant is not present in population databases (gnomAD no frequency). This variant has not been reported in the literature in individuals affected with NF1-related conditions. ClinVar contains an entry for this variant (Variation ID: 1756698). For these reasons, this variant has been classified as Pathogenic.

Ambry Genetics
Classification: Pathogenic for Cardiovascular phenotype; Hereditary cancer-predisposing syndrome. Last evaluated: 2021-07-07. Review status: criteria provided, single submitter. Criteria: Ambry Variant Classification Scheme 2023. Collection method: clinical testing. Allele origin: germline.
Comment: The c.7018delA pathogenic mutation, located in coding exon 47 of the NF1 gene, results from a deletion of one nucleotide at nucleotide position 7018, causing a translational frameshift with a predicted alternate stop codon (p.M2340Wfs*35). This alteration is expected to result in loss of function by premature protein truncation or nonsense-mediated mRNA decay. As such, this alteration is interpreted as a disease-causing mutation.

Literature cited by the submitters: PubMed 10712197 (cited by Labcorp Genetics (formerly Invitae), Labcorp); PubMed 23913538 (cited by Labcorp Genetics (formerly Invitae), Labcorp).